The following is an entry in ClinVar:

ClinVar aggregate classification (germline): Uncertain significance. Review status: criteria provided, multiple submitters, no conflicts (2 of 4 stars). 2 submissions from 2 submitters: Uncertain significance (2). Last evaluated 2024-10-14.

Allele frequency attached by ClinVar (database versions not stated): TOPMed 0.00002; ExAC 0.00003; gnomAD 0.00003; gnomAD exomes 0.00009.
gnomAD v4.1: 135 of 1,613,986 alleles (0.0084%); highest among the groups gnomAD compares: Non-Finnish European, 0.011%; no homozygotes.

Submissions (2):

Blueprint Genetics
Classification: Uncertain significance. Last evaluated: 2024-10-14. Review status: criteria provided, single submitter. Criteria: ACMG Guidelines, 2015. Collection method: clinical testing. Allele origin: germline.

Labcorp Genetics (formerly Invitae), Labcorp
Classification: Uncertain significance. Last evaluated: 2022-03-26. Review status: criteria provided, single submitter. Criteria: Invitae Variant Classification Sherloc (09022015). Collection method: clinical testing. Allele origin: germline.
Comment: This sequence change replaces threonine, which is neutral and polar, with isoleucine, which is neutral and non-polar, at codon 310 of the LRP2 protein (p.Thr310Ile). This variant is present in population databases (rs765883958, gnomAD 0.007%). This variant has not been reported in the literature in individuals affected with LRP2-related conditions. Advanced modeling of protein sequence and biophysical properties (such as structural, functional, and spatial information, amino acid conservation, physicochemical variation, residue mobility, and thermodynamic stability) performed at Invitae indicates that this missense variant is not expected to disrupt LRP2 protein function. In summary, the available evidence is currently insufficient to determine the role of this variant in disease. Therefore, it has been classified as a Variant of Uncertain Significance.

NM_004525.3(LRP2):c.929C>T (p.Thr310Ile)

Gene: LRP2 (LDL receptor related protein 2; minus strand). Cytogenetic location: 2q31.1.
Variant type: single nucleotide variant.
Coding change: c.929C>T on transcript NM_004525.3 (MANE Select); coding-DNA position 929, C replaced by T.
Protein change: p.Thr310Ile; replaces threonine 310 with isoleucine.
Molecular consequence: missense variant.
Genome position (GRCh38, 1-based): chr2:169,289,139, G>A on the plus strand (C>T on the coding strand, the complement: LRP2 is on the minus strand). VCF-style: chr2-169289139-G-A. GRCh37 (hg19) VCF-style: chr2-170145649-G-A.
Other names: short protein forms T310I.
Identifiers: ClinVar variation 1916066 (VCV001916066.3), dbSNP rs765883958, ClinGen allele CA1955699.